The following is an entry in ClinVar:

ClinVar aggregate classification (germline): Uncertain significance (1 of 4 stars; one submission).

Conditions:
Gingival disorder. Also called: Gingival disease. Identifiers: MedGen C0017563, MONDO:0002021.

Submission:

Labcorp Genetics (formerly Invitae), Labcorp
Classification: Uncertain significance for Gingival disorder. Last evaluated: 2021-04-29. Review status: criteria provided, single submitter. Criteria: Invitae Variant Classification Sherloc (09022015). Collection method: clinical testing. Allele origin: germline.
Comment: In summary, the available evidence is currently insufficient to determine the role of this variant in disease. Therefore, it has been classified as a Variant of Uncertain Significance. Algorithms developed to predict the effect of sequence changes on RNA splicing suggest that this variant may create or strengthen a splice site, but this prediction has not been confirmed by published transcriptional studies. Algorithms developed to predict the effect of missense changes on protein structure and function (SIFT, PolyPhen-2, Align-GVGD) all suggest that this variant is likely to be tolerated, but these predictions have not been confirmed by published functional studies and their clinical significance is uncertain. This variant has not been reported in the literature in individuals with FPR1-related conditions. This variant is not present in population databases (ExAC no frequency). This sequence change replaces methionine with isoleucine at codon 152 of the FPR1 protein (p.Met152Ile). The methionine residue is weakly conserved and there is a small physicochemical difference between methionine and isoleucine.

NM_002029.4(FPR1):c.456G>A (p.Met152Ile)

Gene: FPR1 (formyl peptide receptor 1; minus strand). Cytogenetic location: 19q13.41.
Variant type: single nucleotide variant.
Coding change: c.456G>A on transcript NM_002029.4 (MANE Select); coding-DNA position 456, G replaced by A.
Protein change: p.Met152Ile; replaces methionine 152 with isoleucine.
Molecular consequence: missense variant.
Genome position (GRCh38, 1-based): chr19:51,746,539, C>T on the plus strand (G>A on the coding strand, the complement: FPR1 is on the minus strand). VCF-style: chr19-51746539-C-T. GRCh37 (hg19) VCF-style: chr19-52249792-C-T.
Other names: c.456G>A, p.Met152Ile (NM_001193306.2); short protein forms M152I.
Identifiers: ClinVar variation 1349840 (VCV001349840.8), dbSNP rs2122322979, ClinGen allele CA407118733.
Genomic context (GRCh38, chr19:51,746,539, plus strand): 5'-CCCCGTTTTACCAGGTACTGTAGTCACACGAATGATAACTGGCAATGTGAGGAGCAGAGC[C>T]ATCACCCAGGGCCCAATGATCACCTTCTTGGCCAGGCTCACGGTGCGGTGGTTCTGGGTC-3'
Protein context (NP_002020.1, residues 142-162): AKKVIIGPWV[Met152Ile]ALLLTLPVII